The following is an entry in ClinVar:

NM_000815.5(GABRD):c.1216del (p.Ala406fs)

Gene: GABRD (gamma-aminobutyric acid type A receptor subunit delta; plus strand). Cytogenetic location: 1p36.33.
Variant type: Deletion.
Coding change: c.1216del on transcript NM_000815.5 (MANE Select); coding-DNA position 1216, one base deleted (G; older notation c.1216delG).
Protein change: p.Ala406fs; shifts the reading frame from alanine 406.
Molecular consequence: frameshift variant.
Genome position (GRCh38, 1-based): chr1:2,030,139, G deleted; the last of 5 consecutive G bases (chr1:2,030,135-2,030,139); deleting any one gives the same sequence. VCF-style (leftmost placement, unchanged base first): chr1-2030134-AG-A. GRCh37 (hg19) VCF-style: chr1-1961573-AG-A.
Other names: short protein forms A406fs.
Identifiers: ClinVar variation 1711900 (VCV001711900.2), dbSNP rs2525648294, ClinGen allele CA2580061418.

ClinVar aggregate classification (germline): Uncertain significance (1 of 4 stars; one submission).

Submission:

GeneDx
Classification: Uncertain significance. Last evaluated: 2022-04-21. Review status: criteria provided, single submitter. Criteria: GeneDx Variant Classification Process June 2021. Collection method: clinical testing. Allele origin: germline. Affected: yes.
Comment: Not observed at significant frequency in large population cohorts (gnomAD); Frameshift variant in which the last 47 amino acids are replaced with 102 different amino acids; Has not been previously published as pathogenic or benign to our knowledge